The following is an entry in ClinVar:

NM_016507.4(CDK12):c.1586T>C (p.Leu529Pro)

Gene: CDK12 (cyclin dependent kinase 12; plus strand). Cytogenetic location: 17q12.
Variant type: single nucleotide variant.
Coding change: c.1586T>C on transcript NM_016507.4 (MANE Select); coding-DNA position 1586, T replaced by C.
Protein change: p.Leu529Pro; replaces leucine 529 with proline.
Molecular consequence: missense variant.
Genome position (GRCh38, 1-based): chr17:39,471,418, T>C. VCF-style: chr17-39471418-T-C. GRCh37 (hg19) VCF-style: chr17-37627671-T-C.
Other names: c.1586T>C, p.Leu529Pro (NM_015083.4); short protein forms L529P.
Identifiers: ClinVar variation 3830332 (VCV003830332.1).

ClinVar aggregate classification (germline): Uncertain significance (1 of 4 stars; one submission).

gnomAD v4.1: 2 of 1,613,602 alleles (0.00012%); highest among the groups gnomAD compares: South Asian, 0.0011%; no homozygotes.

Submission:

Ambry Genetics
Classification: Uncertain significance. Last evaluated: 2024-12-13. Review status: criteria provided, single submitter. Criteria: Ambry Variant Classification Scheme 2023. Collection method: clinical testing. Allele origin: germline.
Comment: The p.L529P variant (also known as c.1586T>C), located in coding exon 2 of the CDK12 gene, results from a T to C substitution at nucleotide position 1586. The leucine at codon 529 is replaced by proline, an amino acid with similar properties. This amino acid position is conserved. In addition, this alteration is predicted to be tolerated by in silico analysis. Based on the available evidence, the clinical significance of this variant remains unclear.